The following is an entry in ClinVar:

ClinVar aggregate classification (germline): Uncertain significance (1 of 4 stars; one submission).

Conditions:
Chuvash polycythemia. Also called: POLYCYTHEMIA, VHL-DEPENDENT. Identifiers: Orphanet 238557, MedGen C1837915, MONDO:0009892, OMIM 263400.
Von Hippel-Lindau syndrome (VHLS). Also called: VHL syndrome; Von Hippel-Lindau; von Hippel–Lindau syndrome. Identifiers: Orphanet 892, MedGen C0019562, MONDO:0008667, OMIM 193300. Disease mechanism: loss of function.

Submission:

Labcorp Genetics (formerly Invitae), Labcorp
Classification: Uncertain significance for Von Hippel-Lindau syndrome; Chuvash polycythemia. Last evaluated: 2022-12-04. Review status: criteria provided, single submitter. Criteria: Invitae Variant Classification Sherloc (09022015). Collection method: clinical testing. Allele origin: germline.
Comment: In summary, the available evidence is currently insufficient to determine the role of this variant in disease. Therefore, it has been classified as a Variant of Uncertain Significance. Advanced modeling of protein sequence and biophysical properties (such as structural, functional, and spatial information, amino acid conservation, physicochemical variation, residue mobility, and thermodynamic stability) performed at Invitae indicates that this missense variant is expected to disrupt VHL protein function. ClinVar contains an entry for this variant (Variation ID: 848603). This variant has not been reported in the literature in individuals affected with VHL-related conditions. This variant is not present in population databases (gnomAD no frequency). This sequence change replaces glutamine, which is neutral and polar, with lysine, which is basic and polar, at codon 145 of the VHL protein (p.Gln145Lys).

NM_000551.4(VHL):c.433C>A (p.Gln145Lys)

Genes: VHL (von Hippel-Lindau tumor suppressor; plus strand), LOC107303340 (3p25 von Hippel-Lindau tumor suppressor, E3 ubiquitin protein ligase Alu-mediated recombination region; plus strand). Cytogenetic location: 3p25.3.
Variant type: single nucleotide variant.
Coding change: c.433C>A on transcript NM_000551.4 (MANE Select); coding-DNA position 433, C replaced by A.
Protein change: p.Gln145Lys; replaces glutamine 145 with lysine.
Molecular consequence: missense variant. On other transcripts: intron variant (2).
Genome position (GRCh38, 1-based): chr3:10,146,606, C>A. VCF-style: chr3-10146606-C-A. GRCh37 (hg19) VCF-style: chr3-10188290-C-A.
Other names: c.*18-3181C>A (NM_001354723.2); c.341-3181C>A (NM_198156.3); short protein forms Q145K.
Identifiers: ClinVar variation 848603 (VCV000848603.12), dbSNP rs749704215, ClinGen allele CA351754215.